The following is an entry in ClinVar:

NM_001007228.2(SPOP):c.73A>G (p.Thr25Ala)

Gene: SPOP (speckle type BTB/POZ protein; minus strand). Cytogenetic location: 17q21.33.
Variant type: single nucleotide variant.
Coding change: c.73A>G on transcript NM_001007228.2 (MANE Select); coding-DNA position 73, A replaced by G.
Protein change: p.Thr25Ala; replaces threonine 25 with alanine.
Molecular consequence: missense variant.
Genome position (GRCh38, 1-based): chr17:49,622,738, T>C on the plus strand (A>G on the coding strand, the complement: SPOP is on the minus strand). VCF-style: chr17-49622738-T-C. GRCh37 (hg19) VCF-style: chr17-47700100-T-C.
Other names: c.73A>G, p.Thr25Ala (NM_001007226.1, NM_001007227.1, NM_001007229.1 and 5 more transcripts); short protein forms T25A.
Identifiers: ClinVar variation 830358 (VCV000830358.7), dbSNP rs2072244773, ClinGen allele CA400157483.
Genomic context (GRCh38, chr17:49,622,738, plus strand): 5'-CGTCCACCAAATCCTCCCCAGATGCAAGATTCACAGGCTGAAAACTTCAACTTACCTGTG[T>C]GTAGCACCAACTCTCAGCTACGGGGCCACTCGACATTTCTGCCGGAGGTGGAGGACTTGG-3'
Protein context (NP_001007229.1, residues 15-35): SGPVAESWCY[Thr25Ala]QIKVVKFSYM

ClinVar aggregate classification (germline): Conflicting classifications of pathogenicity. Review status: criteria provided, conflicting classifications (1 of 4 stars). 3 submissions from 3 submitters: Likely pathogenic (1); Uncertain significance (1). 1 of the submissions does not count toward it. Last evaluated 2020-09-10.

Conditions:
Neurodevelopmental disorder with relative macrocephaly and with or without cardiac or endocrine anomalies. Also called: Nabais Sa-de Vries syndrome, type 2. Identifiers: Orphanet 662175, MedGen C5394221, MONDO:0032943, OMIM 618829.
SPOP-related disorder. Also called: SPOP-related condition.

Submissions (3):

SIB Swiss Institute of Bioinformatics
Classification: Likely pathogenic for Neurodevelopmental disorder with relative macrocephaly and with or without cardiac or endocrine anomalies. Last evaluated: 2020-09-10. Review status: criteria provided, single submitter. Criteria: ACMG Guidelines, 2015. Collection method: curation. Allele origin: unknown.
Comment: This variant is interpreted as likely pathogenic for Nabais Sa-de Vries syndrome 2, autosomal dominant. The following ACMG Tag(s) were applied: Absent from controls (or at extremely low frequency if recessive) in Exome Sequencing Project, 1000 Genomes Project, or Exome Aggregation Consortium (PM2); De novo (paternity and maternity confirmed) (PS2); Missense variant in a gene that has a low rate of benign missense variation and in which missense variants are a common mechanism of disease (PP2); Well-established functional studies show a deleterious effect (PS3 downgraded to supporting).

Undiagnosed Diseases Network, NIH
Classification: Uncertain significance for SPOP-related condition. Last evaluated: 2020-02-24. Review status: criteria provided, single submitter. Criteria: ACMG Guidelines, 2015. Collection method: clinical testing. Allele origin: de novo. Inheritance: Autosomal dominant inheritance. Affected: yes. Observed: 1 variant allele, 1 heterozygote. Study: Undiagnosed Diseases Network (NIH), UDN.

OMIM
Classification: Pathogenic for NABAIS SA-DE VRIES SYNDROME, TYPE 2. Last evaluated: 2020-05-01. Review status: no assertion criteria provided. Collection method: literature only. Allele origin: germline. Not counted in ClinVar's aggregate classification.

Literature cited by the submitters: PubMed 32109420 (cited by SIB Swiss Institute of Bioinformatics and OMIM).